The following is an entry in ClinVar:

ClinVar aggregate classification (germline): Uncertain significance (1 of 4 stars; one submission).

gnomAD v4.1: 6 of 1,614,194 alleles (0.00037%); highest among the groups gnomAD compares: Admixed American, 0.0033%; no homozygotes.

Submission:

Mayo Clinic Laboratories, Mayo Clinic
Classification: Uncertain significance. Last evaluated: 2025-04-11. Review status: criteria provided, single submitter. Criteria: ACMG Guidelines, 2015. Collection method: clinical testing. Allele origin: germline. Observed: 1 variant allele.
Comment: BP4_moderate, PM2_supporting

NM_000271.5(NPC1):c.2428G>C (p.Val810Leu)

Gene: NPC1 (NPC intracellular cholesterol transporter 1; minus strand). Cytogenetic location: 18q11.2.
Variant type: single nucleotide variant.
Coding change: c.2428G>C on transcript NM_000271.5 (MANE Select); coding-DNA position 2428, G replaced by C.
Protein change: p.Val810Leu; replaces valine 810 with leucine.
Molecular consequence: missense variant.
Genome position (GRCh38, 1-based): chr18:23,541,154, C>G on the plus strand (G>C on the coding strand, the complement: NPC1 is on the minus strand). VCF-style: chr18-23541154-C-G. GRCh37 (hg19) VCF-style: chr18-21121118-C-G.
Other names: p.Val810Leu; short protein forms V810L.
Identifiers: ClinVar variation 4542253 (VCV004542253.1).